The following is an entry in ClinVar:

ClinVar aggregate classification (germline): Uncertain significance (1 of 4 stars; one submission).

Submission:

CeGaT Center for Human Genetics Tuebingen
Classification: Uncertain significance. Last evaluated: 2025-10-01. Review status: criteria provided, single submitter. Criteria: CeGaT Center For Human Genetics Tuebingen Variant Classification Criteria Version 2. Collection method: clinical testing. Allele origin: germline. Affected: yes. Observed: 1 variant allele.
Comment: MYH3: PM2:Supporting, BP4

NM_002470.4(MYH3):c.720C>T (p.Asp240=)

Gene: MYH3 (myosin heavy chain 3; minus strand). Cytogenetic location: 17p13.1.
Variant type: single nucleotide variant.
Coding change: c.720C>T on transcript NM_002470.4 (MANE Select); coding-DNA position 720, C replaced by T.
Protein change: p.Asp240=; no amino-acid change (aspartic acid 240 retained).
Molecular consequence: synonymous variant.
Genome position (GRCh38, 1-based): chr17:10,648,572, G>A on the plus strand (C>T on the coding strand, the complement: MYH3 is on the minus strand). VCF-style: chr17-10648572-G-A. GRCh37 (hg19) VCF-style: chr17-10551889-G-A.
Identifiers: ClinVar variation 4535068 (VCV004535068.6).